The following is an entry in ClinVar:

ClinVar aggregate classification (germline): Benign (1 of 4 stars; one submission).

Conditions:
Lymphoproliferative syndrome 1 (LPFS1). Identifiers: Orphanet 238505, Orphanet 538963, MedGen C3552634, MONDO:0013081, OMIM 613011.

Allele frequency attached by ClinVar (database versions not stated): gnomAD 0.00004 and 0.00074; TOPMed 0.00019; gnomAD exomes 0.00031; 1000 Genomes Project 30x 0.00359; 1000 Genomes Project 0.00419.
gnomAD v4.1: 133 of 226,106 alleles (0.059%); highest among the groups gnomAD compares: South Asian, 2.3%; 2 homozygotes.

Submission:

Illumina Laboratory Services, Illumina
Classification: Benign for Lymphoproliferative syndrome 1. Last evaluated: 2018-01-13. Review status: criteria provided, single submitter. Criteria: ICSL Variant Classification Criteria 13 December 2019. Collection method: clinical testing. Allele origin: germline.
Comment: This variant was observed in the ICSL laboratory as part of a predisposition screen in an ostensibly healthy population. It had not been previously curated by ICSL or reported in the Human Gene Mutation Database (HGMD: prior to June 1st, 2018), and was therefore a candidate for classification through an automated scoring system. Utilizing variant allele frequency, disease prevalence and penetrance estimates, and inheritance mode, an automated score was calculated to assess if this variant is too frequent to cause the disease. Based on the score and internal cut-off values, a variant classified as benign is not then subjected to further curation. The score for this variant resulted in a classification of benign for this disease.

NM_005546.4(ITK):c.*1350G>A

Gene: ITK (IL2 inducible T cell kinase; plus strand). Cytogenetic location: 5q33.3.
Variant type: single nucleotide variant.
Coding change: c.*1350G>A on transcript NM_005546.4 (MANE Select); 1350 bases downstream of the stop codon, G replaced by A.
Molecular consequence: 3 prime UTR variant.
Genome position (GRCh38, 1-based): chr5:157,254,028, G>A. VCF-style: chr5-157254028-G-A. GRCh37 (hg19) VCF-style: chr5-156681038-G-A.
Identifiers: ClinVar variation 352493 (VCV000352493.5), dbSNP rs543185318, ClinGen allele CA10623758.
Genomic context (GRCh38, chr5:157,254,028, plus strand): 5'-CCCATTTTACAAATAATGTAACTGAGGCTTTAAAAAGCCAAGACATCTGCCCAAAGTGAT[G>A]GAACTAGAAAGTCTAGAGCTGGTATTCTAGCCCAAATCTGTCTGACCGCAATACACAGAT-3'